The following is an entry in ClinVar:

ClinVar aggregate classification (germline): Uncertain significance (1 of 4 stars; one submission).

Conditions:
Periodontitis, aggressive. Identifiers: MedGen C0031106, MONDO:0980757.
Haim-Munk syndrome (HMS). Also called: COCHIN JEWISH DISORDER; KERATOSIS PALMOPLANTARIS WITH PERIODONTOPATHIA AND ONYCHOGRYPOSIS. Identifiers: Orphanet 2342, MedGen C1855627, MONDO:0009491, OMIM 245010.
Papillon-Lefèvre syndrome (PALS). Also called: KERATOSIS PALMOPLANTARIS WITH PERIODONTOPATHIA; Papillon-Lefevre Disease. Identifiers: Orphanet 678, MedGen C0030360, MONDO:0009490, OMIM 245000.

Submission:

Labcorp Genetics (formerly Invitae), Labcorp
Classification: Uncertain significance for Haim-Munk syndrome; Periodontitis, aggressive; Papillon-Lefèvre syndrome. Last evaluated: 2022-09-28. Review status: criteria provided, single submitter. Criteria: Invitae Variant Classification Sherloc (09022015). Collection method: clinical testing. Allele origin: germline.
Comment: This variant has not been reported in the literature in individuals affected with CTSC-related conditions. This variant is not present in population databases (gnomAD no frequency). This sequence change replaces valine, which is neutral and non-polar, with leucine, which is neutral and non-polar, at codon 43 of the CTSC protein (p.Val43Leu). Algorithms developed to predict the effect of missense changes on protein structure and function are either unavailable or do not agree on the potential impact of this missense change (SIFT: "Not Available"; PolyPhen-2: "Benign"; Align-GVGD: "Not Available"). Algorithms developed to predict the effect of sequence changes on RNA splicing suggest that this variant may disrupt the consensus splice site. In summary, the available evidence is currently insufficient to determine the role of this variant in disease. Therefore, it has been classified as a Variant of Uncertain Significance.

NM_001814.6(CTSC):c.127G>T (p.Val43Leu)

Genes: CTSC (cathepsin C; minus strand), LOC130006572 (ATAC-STARR-seq lymphoblastoid active region 5382; plus strand). Cytogenetic location: 11q14.2.
Variant type: single nucleotide variant.
Coding change: c.127G>T on transcript NM_001814.6 (MANE Select); coding-DNA position 127, G replaced by T.
Protein change: p.Val43Leu; replaces valine 43 with leucine.
Molecular consequence: missense variant.
Genome position (GRCh38, 1-based): chr11:88,337,546, C>A on the plus strand (G>T on the coding strand, the complement: CTSC is on the minus strand). VCF-style: chr11-88337546-C-A. GRCh37 (hg19) VCF-style: chr11-88070714-C-A.
Other names: c.127G>T, p.Val43Leu (NM_001114173.3, NM_148170.5); short protein forms V43L.
Identifiers: ClinVar variation 1994118 (VCV001994118.4), dbSNP rs1350491977, ClinGen allele CA382030574.